The following is an entry in ClinVar:

ClinVar aggregate classification (germline): Uncertain significance (1 of 4 stars; one submission).

Allele frequency attached by ClinVar (database versions not stated): gnomAD exomes below 0.00001; TOPMed below 0.00001.

Submission:

Labcorp Genetics (formerly Invitae), Labcorp
Classification: Uncertain significance. Last evaluated: 2024-02-24. Review status: criteria provided, single submitter. Criteria: Invitae Variant Classification Sherloc (09022015). Collection method: clinical testing. Allele origin: germline.
Comment: This sequence change replaces glycine, which is neutral and non-polar, with alanine, which is neutral and non-polar, at codon 406 of the VPS11 protein (p.Gly406Ala). This variant is not present in population databases (gnomAD no frequency). This variant has not been reported in the literature in individuals affected with VPS11-related conditions. ClinVar contains an entry for this variant (Variation ID: 1718447). Advanced modeling of protein sequence and biophysical properties (such as structural, functional, and spatial information, amino acid conservation, physicochemical variation, residue mobility, and thermodynamic stability) performed at Invitae indicates that this missense variant is not expected to disrupt VPS11 protein function with a negative predictive value of 80%. In summary, the available evidence is currently insufficient to determine the role of this variant in disease. Therefore, it has been classified as a Variant of Uncertain Significance.

NM_021729.6(VPS11):c.1217G>C (p.Gly406Ala)

Gene: VPS11 (VPS11 core subunit of CORVET and HOPS complexes; plus strand). Cytogenetic location: 11q23.3.
Variant type: single nucleotide variant.
Coding change: c.1217G>C on transcript NM_021729.6 (MANE Select); coding-DNA position 1217, G replaced by C.
Protein change: p.Gly406Ala; replaces glycine 406 with alanine.
Molecular consequence: missense variant. On other transcripts: non-coding transcript variant (8).
Genome position (GRCh38, 1-based): chr11:119,073,930, G>C. VCF-style: chr11-119073930-G-C. GRCh37 (hg19) VCF-style: chr11-118944640-G-C.
Other names: c.1187G>C, p.Gly396Ala (NM_001290185.2); c.1229G>C, p.Gly410Ala (NM_001378218.1); c.1217G>C, p.Gly406Ala (NM_001378219.1); c.1202G>C, p.Gly401Ala (NM_001378220.1); c.1199G>C, p.Gly400Ala (NM_001378221.1); short protein forms G396A, G400A, G401A, G406A, G410A.
Identifiers: ClinVar variation 1718447 (VCV001718447.5), dbSNP rs1565740241, ClinGen allele CA382971211.